The following is an entry in ClinVar:

ClinVar aggregate classification (germline): Uncertain significance (1 of 4 stars; one submission).

Conditions:
Atrioventricular septal defect 4 (AVSD4). Identifiers: MedGen C3280781, MONDO:0013747, OMIM 614430.

Allele frequency attached by ClinVar (database versions not stated): gnomAD exomes below 0.00001.
gnomAD v4.1: 2 of 1,614,138 alleles (0.00012%); highest among the groups gnomAD compares: Non-Finnish European, 0.00017%; no homozygotes.

Submission:

Labcorp Genetics (formerly Invitae), Labcorp
Classification: Uncertain significance for Atrioventricular septal defect 4. Last evaluated: 2018-05-30. Review status: criteria provided, single submitter. Criteria: Invitae Variant Classification Sherloc (09022015). Collection method: clinical testing. Allele origin: germline.
Comment: This sequence change replaces serine with cysteine at codon 264 of the GATA4 protein (p.Ser264Cys). The serine residue is highly conserved and there is a moderate physicochemical difference between serine and cysteine. This variant is not present in population databases (ExAC no frequency). This variant has not been reported in the literature in individuals with GATA4-related disease. Algorithms developed to predict the effect of missense changes on protein structure and function are either unavailable or do not agree on the potential impact of this missense change (SIFT: "Deleterious"; PolyPhen-2: "Probably Damaging"; Align-GVGD: "Class C15"). In summary, the available evidence is currently insufficient to determine the role of this variant in disease. Therefore, it has been classified as a Variant of Uncertain Significance.

NM_001308093.3(GATA4):c.794C>G (p.Ser265Cys)

Gene: GATA4 (GATA binding protein 4). Cytogenetic location: 8p23.1.
Variant type: single nucleotide variant.
Coding change: c.794C>G on transcript NM_001308093.3 (MANE Select); coding-DNA position 794, C replaced by G.
Protein change: p.Ser265Cys; replaces serine 265 with cysteine.
Molecular consequence: missense variant. On other transcripts: intron variant (1).
Genome position (GRCh38, 1-based): chr8:11,750,118, C>G. VCF-style: chr8-11750118-C-G. GRCh37 (hg19) VCF-style: chr8-11607627-C-G.
Other names: c.173C>G, p.Ser58Cys (NM_001308094.2, NM_001374273.1); c.791C>G, p.Ser264Cys (NM_002052.5); c.165+1033C>G (NM_001374274.1); short protein forms S264C, S265C, S58C.
Identifiers: ClinVar variation 566020 (VCV000566020.8), dbSNP rs1563228364, ClinGen allele CA370312915.